The following is an entry in ClinVar:

NM_000238.4(KCNH2):c.2531T>G (p.Met844Arg)

Gene: KCNH2 (potassium voltage-gated channel subfamily H member 2; minus strand). Cytogenetic location: 7q36.1.
Variant type: single nucleotide variant.
Coding change: c.2531T>G on transcript NM_000238.4 (MANE Select); coding-DNA position 2531, T replaced by G.
Protein change: p.Met844Arg; replaces methionine 844 with arginine.
Molecular consequence: missense variant.
Genome position (GRCh38, 1-based): chr7:150,948,917, A>C on the plus strand (T>G on the coding strand, the complement: KCNH2 is on the minus strand). VCF-style: chr7-150948917-A-C. GRCh37 (hg19) VCF-style: chr7-150646005-A-C.
Other names: c.2243T>G, p.Met748Arg (NM_001406753.1); c.1511T>G, p.Met504Arg (NM_172057.3); short protein forms M504R, M748R, M844R.
Identifiers: ClinVar variation 2091289 (VCV002091289.4), dbSNP rs2486015253, ClinGen allele CA369854921.

ClinVar aggregate classification (germline): Uncertain significance (1 of 4 stars; one submission).

Conditions:
Long QT syndrome (LQTS). Identifiers: MedGen C0023976, MeSH D008133, MONDO:0002442. Disease mechanism: loss of function. Inheritance: Various modes of inheritance.

Submission:

Labcorp Genetics (formerly Invitae), Labcorp
Classification: Uncertain significance for Long QT syndrome. Last evaluated: 2022-01-31. Review status: criteria provided, single submitter. Criteria: Invitae Variant Classification Sherloc (09022015). Collection method: clinical testing. Allele origin: germline.
Comment: This variant is not present in population databases (gnomAD no frequency). This sequence change replaces methionine, which is neutral and non-polar, with arginine, which is basic and polar, at codon 844 of the KCNH2 protein (p.Met844Arg). This variant has not been reported in the literature in individuals affected with KCNH2-related conditions. Algorithms developed to predict the effect of missense changes on protein structure and function are either unavailable or do not agree on the potential impact of this missense change (SIFT: "Deleterious"; PolyPhen-2: "Probably Damaging"; Align-GVGD: "Class C0"). Algorithms developed to predict the effect of sequence changes on RNA splicing suggest that this variant may create or strengthen a splice site. In summary, the available evidence is currently insufficient to determine the role of this variant in disease. Therefore, it has been classified as a Variant of Uncertain Significance.